The following is an entry in ClinVar:

NM_001378418.1(TCF20):c.5430del (p.Ala1811fs)

Gene: TCF20 (transcription factor 20; minus strand). Cytogenetic location: 22q13.2.
Variant type: Deletion.
Coding change: c.5430del on transcript NM_001378418.1 (MANE Select); coding-DNA position 5430, one base deleted (A; older notation c.5430delA).
Protein change: p.Ala1811fs; shifts the reading frame from alanine 1811.
Molecular consequence: frameshift variant.
Genome position (GRCh38, 1-based): chr22:42,209,876, T deleted on the plus strand (A on the coding strand, the reverse complement: TCF20 is on the minus strand); the first of 6 consecutive T bases (chr22:42,209,876-42,209,881); deleting any one gives the same sequence. VCF-style (leftmost placement, unchanged base first): chr22-42209875-CT-C. GRCh37 (hg19) VCF-style: chr22-42605881-CT-C.
Other names: c.5430del, p.Ala1811fs (NM_005650.4, NM_181492.3); short protein forms A1811fs.
Identifiers: ClinVar variation 3392555 (VCV003392555.1).

ClinVar aggregate classification (germline): Likely pathogenic (1 of 4 stars; one submission).

Conditions:
Developmental delay with variable intellectual impairment and behavioral abnormalities. Identifiers: MedGen C5193092, MONDO:0032745, OMIM 618430.

Submission:

MVZ Medizinische Genetik Mainz
Classification: Likely pathogenic for Developmental delay with variable intellectual impairment and behavioral abnormalities. Last evaluated: 2024-12-06. Review status: criteria provided, single submitter. Criteria: UK Practice Guidelines For Variant Classification V4 01 2020. Collection method: clinical testing. Allele origin: germline. Inheritance: Autosomal dominant inheritance. Affected: yes. Observed: 1 variant allele.
Comment: ACMG Criteria: PVS1,PM2_SUP